The following is an entry in ClinVar:

NM_001127222.2(CACNA1A):c.2123T>C (p.Phe708Ser)

Gene: CACNA1A (calcium voltage-gated channel subunit alpha1 A; minus strand). Cytogenetic location: 19p13.13.
Variant type: single nucleotide variant.
Coding change: c.2123T>C on transcript NM_001127222.2 (MANE Select); coding-DNA position 2123, T replaced by C.
Protein change: p.Phe708Ser; replaces phenylalanine 708 with serine.
Molecular consequence: missense variant.
Genome position (GRCh38, 1-based): chr19:13,303,595, A>G on the plus strand (T>C on the coding strand, the complement: CACNA1A is on the minus strand). VCF-style: chr19-13303595-A-G. GRCh37 (hg19) VCF-style: chr19-13414409-A-G.
Other names: c.2126T>C, p.Phe709Ser (NM_000068.4, NM_001127221.2, NM_001174080.2 and 1 more transcripts); short protein forms F709S, F708S.
Identifiers: ClinVar variation 944509 (VCV000944509.10), dbSNP rs2057836815, ClinGen allele CA404344203.
Genomic context (GRCh38, chr19:13,303,595, plus strand): 5'-ACCGCCTCCACCTTGGTGAGCTCCTGGGCGTTGGCCAGATTGTCCACAGCGATGGCCAAG[A>G]ACACATTCAGGAGGGTGTCTGCAAATGTCTGAGTCAGGAAAAGCAACCACTGGTGGGACA-3'
Protein context (NP_001120694.1, residues 698-718): LFGNYTLLNV[Phe708Ser]LAIAVDNLAN

ClinVar aggregate classification (germline): Uncertain significance (1 of 4 stars; one submission).

Conditions:
Developmental and epileptic encephalopathy, 42 (DEE42A). Also called: DEVELOPMENTAL AND EPILEPTIC ENCEPHALOPATHY 42A; EPILEPTIC ENCEPHALOPATHY, EARLY INFANTILE, 42A; Epileptic encephalopathy, early infantile, 42. Identifiers: MedGen C4310716, MONDO:0014917, OMIM 617106.
Episodic ataxia type 2 (EA2). Also called: CEREBELLAR ATAXIA, PAROXYSMAL, ACETAZOLAMIDE-RESPONSIVE; CEREBELLOPATHY, HEREDITARY PAROXYSMAL; EPISODIC ATAXIA, NYSTAGMUS-ASSOCIATED; ACETAZOLAMIDE-RESPONSIVE HEREDITARY PAROXYSMAL CEREBELLAR ATAXIA; ATAXIA, EPISODIC, WITH NYSTAGMUS; ATAXIA, FAMILIAL PAROXYSMAL. Identifiers: Orphanet 97, MedGen C1720416, MONDO:0007163, OMIM 108500.

Submission:

Labcorp Genetics (formerly Invitae), Labcorp
Classification: Uncertain significance for Developmental and epileptic encephalopathy, 42; Episodic ataxia type 2. Last evaluated: 2023-08-04. Review status: criteria provided, single submitter. Criteria: Invitae Variant Classification Sherloc (09022015). Collection method: clinical testing. Allele origin: germline.
Comment: This sequence change replaces phenylalanine, which is neutral and non-polar, with serine, which is neutral and polar, at codon 709 of the CACNA1A protein (p.Phe709Ser). This variant is not present in population databases (gnomAD no frequency). This variant has not been reported in the literature in individuals affected with CACNA1A-related conditions. ClinVar contains an entry for this variant (Variation ID: 944509). Advanced modeling of protein sequence and biophysical properties (such as structural, functional, and spatial information, amino acid conservation, physicochemical variation, residue mobility, and thermodynamic stability) performed at Invitae indicates that this missense variant is expected to disrupt CACNA1A protein function. In summary, the available evidence is currently insufficient to determine the role of this variant in disease. Therefore, it has been classified as a Variant of Uncertain Significance.